The following is an entry in ClinVar:

NM_000169.3(GLA):c.449del (p.Gly150fs)

Genes: GLA (galactosidase alpha; minus strand), RPL36A-HNRNPH2 (RPL36A-HNRNPH2 readthrough; plus strand). Cytogenetic location: Xq22.1.
Variant type: Deletion.
Coding change: c.449del on transcript NM_000169.3 (MANE Select); coding-DNA position 449, one base deleted (G; older notation c.449delG).
Protein change: p.Gly150fs; shifts the reading frame from glycine 150.
Molecular consequence: frameshift variant. On other transcripts: non-coding transcript variant (3), intron variant (2).
Genome position (GRCh38, 1-based): chrX:101,401,730, C deleted on the plus strand (G on the coding strand, the reverse complement: GLA is on the minus strand); the first of 2 consecutive C bases (chrX:101,401,730-101,401,731); deleting either gives the same sequence. VCF-style (leftmost placement, unchanged base first): chrX-101401729-TC-T. GRCh37 (hg19) VCF-style: chrX-100656717-TC-T.
Other names: c.572del, p.Gly191fs (NM_001406747.1, NM_001406749.1); c.449del, p.Gly150fs (NM_001406748.1); c.300+6274del (NM_001199973.2); c.177+9909del (NM_001199974.2); short protein forms G150fs, G191fs.
Identifiers: ClinVar variation 4086962 (VCV004086962.2).
Genomic context (GRCh38, chrX:101,401,729, plus strand): 5'-ATCAAATTTTAGCAGATCTACTCCCCAGTCAGCAAAGGTCTGGGCATCAATGTCGTAGTA[TC>T]CAAAACTCCCAGGGAAGCCTGCGCAGGTTTTATTTCCAACATCTGCATAAATCCCTAGCT-3'

ClinVar aggregate classification (germline): Pathogenic (1 of 4 stars; one submission).

Conditions:
Fabry disease. Also called: ALPHA-GALACTOSIDASE A DEFICIENCY; ANDERSON-FABRY DISEASE; CERAMIDE TRIHEXOSIDASE DEFICIENCY; GLA DEFICIENCY; HEREDITARY DYSTOPIC LIPIDOSIS; Angiokeratoma corporis diffusum. Identifiers: Orphanet 324, MedGen C0002986, MONDO:0010526, OMIM 301500, HP:0001071. Disease mechanism: Fabry disease is due to inactivating mutations in the X-linked GLA gene resulting in deficiency of the enzyme Alpha Galactosidase-A., loss of function.

Submission:

Genomenon, Inc
Classification: Pathogenic for Fabry disease. Last evaluated: 2026-09-08. Review status: criteria provided, single submitter. Criteria: Genomenon Sequence Variant Interpretation Standards - Updated. Collection method: curation. Allele origin: germline. Affected: yes.
Comment: GLA p.Gly150AspfsTer15 (c.449del) is a frameshift variant that is predicted to introduce a premature termination codon and result in a truncated or absent protein product. This variant has been observed in at least one proband with clinical features consistent with Fabry disease (PMID:33732617). Functional or patient cell studies have been reported (PMID:33732617). It is absent or not present at a significant frequency in gnomAD. In conclusion, we classify GLA p.Gly150AspfsTer15 (c.449del) as a pathogenic variant.

Literature cited by the submitters: PubMed 33732617.